The following is an entry in ClinVar:

NM_001370466.1(NOD2):c.460-3T>C

Gene: NOD2 (nucleotide binding oligomerization domain containing 2; plus strand). Cytogenetic location: 16q12.1.
Variant type: single nucleotide variant.
Coding change: c.460-3T>C on transcript NM_001370466.1 (MANE Select); 3 bases into the intron before coding-DNA position 460, T replaced by C.
Molecular consequence: intron variant.
Genome position (GRCh38, 1-based): chr16:50,707,852, T>C. VCF-style: chr16-50707852-T-C. GRCh37 (hg19) VCF-style: chr16-50741763-T-C.
Other names: p.?; c.541-3T>C (LRG_177t1, NM_022162.3); c.460-3T>C (NM_001293557.2).
Identifiers: ClinVar variation 319430 (VCV000319430.33), dbSNP rs141833420, ClinGen allele CA8051315.

ClinVar aggregate classification (germline): Benign/Likely benign. Review status: criteria provided, multiple submitters, no conflicts (2 of 4 stars). 7 submissions from 6 submitters: Benign (6); Likely benign (1). Last evaluated 2026-01-22.

Conditions:
Autoinflammatory syndrome. Identifiers: Orphanet 93665, MedGen C3890737, MONDO:0019751.
Inflammatory bowel disease 1 (IBD1). Also called: Inflammatory bowel disease 1, Crohn disease; INFLAMMATORY BOWEL DISEASE (CROHN DISEASE) 1. Identifiers: MedGen CN260071, MONDO:0009960, OMIM 266600.
Regional enteritis. Also called: Enteritis, Granulomatous. Identifiers: MedGen C0678202, MeSH D003424.
Blau syndrome (BLAUS). Also called: ARTHROCUTANEOUVEAL GRANULOMATOSIS; GRANULOMATOSIS, FAMILIAL JUVENILE SYSTEMIC; GRANULOMATOSIS, FAMILIAL, BLAU TYPE; GRANULOMATOUS INFLAMMATORY ARTHRITIS, DERMATITIS, AND UVEITIS, FAMILIAL; JABS SYNDROME. Identifiers: Orphanet 90340, MedGen C5201146, MONDO:0008523, OMIM 186580.

Allele frequency attached by ClinVar (database versions not stated): gnomAD exomes 0.00068 and 0.00209; ExAC 0.00246; gnomAD 0.00781 and 0.00836; TOPMed 0.00875; ESP Exome Variant Server 0.00900; 1000 Genomes Project 0.00958; 1000 Genomes Project 30x 0.01015.
gnomAD v4.1: 2,225 of 1,607,310 alleles (0.14%); highest among the groups gnomAD compares: African/African-American, 2.6%; 27 homozygotes.

Submissions (7):

Labcorp Genetics (formerly Invitae), Labcorp
Classification: Benign for Regional enteritis; Blau syndrome. Last evaluated: 2026-01-22. Review status: criteria provided, single submitter. Criteria: Invitae Variant Classification Sherloc (09022015). Collection method: clinical testing. Allele origin: germline.

Women's Health and Genetics/Laboratory Corporation of America, LabCorp
Classification: Benign. Last evaluated: 2026-01-22. Review status: criteria provided, single submitter. Criteria: LabCorp Variant Classification Summary - May 2015. Collection method: clinical testing. Allele origin: germline.

ARUP Laboratories, Molecular Genetics and Genomics, ARUP Laboratories
Classification: Benign. Last evaluated: 2025-05-02. Review status: criteria provided, single submitter. Criteria: ARUP Molecular Germline Variant Investigation Process 2024. Collection method: clinical testing. Allele origin: germline.

Genome Diagnostics Laboratory, The Hospital for Sick Children
Classification: Likely benign for Autoinflammatory syndrome. Last evaluated: 2021-07-20. Review status: criteria provided, single submitter. Criteria: ACMG Guidelines, 2015. Collection method: clinical testing. Allele origin: germline. Affected: yes.

Mayo Clinic Laboratories, Mayo Clinic
Classification: Benign. Last evaluated: 2020-09-17. Review status: criteria provided, single submitter. Criteria: ACMG Guidelines, 2015. Collection method: clinical testing. Allele origin: germline. Observed: 5 variant alleles.

Illumina Laboratory Services, Illumina
Classification: Benign for Inflammatory bowel disease 1. Last evaluated: 2018-01-13. Review status: criteria provided, single submitter. Criteria: ICSL Variant Classification Criteria 13 December 2019. Collection method: clinical testing. Allele origin: germline.
Comment: This variant was observed in the ICSL laboratory as part of a predisposition screen in an ostensibly healthy population. It had not been previously curated by ICSL or reported in the Human Gene Mutation Database (HGMD: prior to June 1st, 2018), and was therefore a candidate for classification through an automated scoring system. Utilizing variant allele frequency, disease prevalence and penetrance estimates, and inheritance mode, an automated score was calculated to assess if this variant is too frequent to cause the disease. Based on the score and internal cut-off values, a variant classified as benign is not then subjected to further curation. The score for this variant resulted in a classification of benign for this disease.

Illumina Laboratory Services, Illumina
Classification: Benign for Blau syndrome. Last evaluated: 2018-01-13. Review status: criteria provided, single submitter. Criteria: ICSL Variant Classification Criteria 13 December 2019. Collection method: clinical testing. Allele origin: germline.
Comment: the same text as in the submission from Illumina Laboratory Services, Illumina above.